The following continues an entry in ClinVar:

NM_181523.3(PIK3R1):c.1945C>T (p.Arg649Trp)

Gene: PIK3R1. ClinVar aggregate classification (germline): Pathogenic. Pathogenic (1).

Submissions 6 to 16 of 16:

GeneDx
Classification: Pathogenic. Last evaluated: 2022-04-18. Review status: criteria provided, single submitter. Criteria: GeneDx Variant Classification Process June 2021. Collection method: clinical testing. Allele origin: germline. Affected: yes. Not counted in ClinVar's aggregate classification.
Comment: Published functional studies demonstrate that the R649W results in a decrease in phosphotyrosine and IRS1-associated PI3K activity and impaired insulin signaling (Chudasama et al., 2013; Barcena et al., 2014); Not observed in large population cohorts (gnomAD); This variant is associated with the following publications: (PMID: 27766312, 23810382, 23810378, 23980586, 23810379, 24886349, 26974159, 27441994, 28632845, 29476696, 31829210, 31583022, 31836692, 32879144, 32602265, 34249805, 34008892, 33657699, 34026551)

Laboratory of Medical Genetics, National & Kapodistrian University of Athens
Classification: Pathogenic for SHORT syndrome. Last evaluated: 2021-10-01. Review status: criteria provided, single submitter. Criteria: ACMG Guidelines, 2015. Collection method: clinical testing. Allele origin: unknown. Affected: yes. Not counted in ClinVar's aggregate classification.
Comment: PS3, PM1, PM2, PP3, PP5

Ambry Genetics
Classification: Pathogenic for Inborn genetic diseases. Last evaluated: 2017-07-13. Review status: criteria provided, single submitter. Criteria: Ambry exome assertion method (8-5-2015). Collection method: clinical testing. Allele origin: germline. Affected: yes. Observed: 1 variant allele. Not counted in ClinVar's aggregate classification.

Fulgent Genetics
Classification: Pathogenic for SHORT syndrome; Agammaglobulinemia 7, autosomal recessive; Immunodeficiency 36 with lymphoproliferation. Last evaluated: 2017-05-18. Review status: criteria provided, single submitter. Criteria: ACMG Guidelines, 2015. Collection method: clinical testing. Allele origin: unknown. Not counted in ClinVar's aggregate classification.

Centre for Mendelian Genomics, University Medical Centre Ljubljana
Classification: Likely pathogenic for Immunodeficiency 36 with lymphoproliferation. Last evaluated: 2016-01-01. Review status: criteria provided, single submitter. Criteria: ACMG Guidelines, 2015. Collection method: clinical testing. Allele origin: unknown. Affected: yes. Not counted in ClinVar's aggregate classification.
Comment: This variant was classified as: Likely pathogenic. The following ACMG criteria were applied in classifying this variant: PS1,PM2,PP3.

UCLA Clinical Genomics Center, UCLA
Classification: Pathogenic for SHORT syndrome. Last evaluated: 2014-05-13. Review status: criteria provided, single submitter. Criteria: Lee et al. (JAMA. 2014). Collection method: clinical testing. Allele origin: unknown. Inheritance: Autosomal dominant inheritance. Affected: yes. Study: CES. Not counted in ClinVar's aggregate classification.

Juno Genomics, Hangzhou Juno Genomics, Inc
Classification: Pathogenic for Agammaglobulinemia 7, autosomal recessive; Immunodeficiency 36 with lymphoproliferation; SHORT syndrome. Review status: criteria provided, single submitter. Criteria: ACMG Guidelines, 2015. Collection method: clinical testing. Allele origin: germline. Affected: yes. Not counted in ClinVar's aggregate classification.
Comment: Absent from controls (or at extremely low frequency if recessive) in Genome Aggregation Database, Exome Sequencing Project, 1000 Genomes Project, or Exome Aggregation Consortium.;The prevalence of the variant in affected individuals is significantly increased compared to the prevalence in controls.;De novo (both maternity and paternity confirmed) in a patient with the disease and no family history.;Patient's phenotype or family history is highly specific for a disease with a single genetic etiology.;Co-segregation with disease in multiple affected family members in a gene definitively known to cause the disease.;Well-established in vitro or in vivo functional studies supportive of a damaging effect on the gene or gene product.;Located in a mutational hot spot and/or critical and well-established functional domain (e.g. active site of an enzyme) without benign variation.

Genetic Services Laboratory, University of Chicago
Classification: Pathogenic for SHORT syndrome. Last evaluated: 2021-06-09. Review status: no assertion criteria provided. Collection method: clinical testing. Allele origin: germline. Affected: yes. Not counted in ClinVar's aggregate classification.
Comment: DNA sequence analysis of the PIK3R1 gene demonstrated a sequence change, c.1945C>T, in exon 15 that results in an amino acid change, p.Arg649Trp. This sequence change has not been described in population databases (dbSNP rs397515453). The p.Arg649Trp change affects a highly conserved amino acid residue located in a domain of the PIK3R1 protein that is known to be functional. The p.Arg649Trp substitution appears to be deleterious using several in-silico pathogenicity prediction tools (SIFT, PolyPhen2, Align GVGD, REVEL). This sequence change is a well-described missense variant that has previously been reported in multiple individuals with SHORT syndrome (PMID: 23810382, 23810379, 31829210, 29476696, 27766312, 32879144, 23980586, 32602265). Additionally, experimental studies have shown that this missense change impacts the function of the PIK3R1 protein (PMID: 27766312, 28632845, 23810379, 26974159).

Molecular Genetics Laboratory, BC Children's and BC Women's Hospitals
Classification: Pathogenic for SHORT syndrome. Last evaluated: 2018-07-18. Review status: no assertion criteria provided. Criteria: ACMG Guidelines, 2015. Collection method: clinical testing. Allele origin: de novo. Affected: yes. Not counted in ClinVar's aggregate classification.

OMIM
Classification: Pathogenic for SHORT SYNDROME. Last evaluated: 2013-07-11. Review status: no assertion criteria provided. Collection method: literature only. Allele origin: germline. Not counted in ClinVar's aggregate classification.

GeneReviews
No classification provided. Condition: SHORT syndrome. Review status: no classification provided. Collection method: literature only. Allele origin: germline. Affected: yes. Not counted in ClinVar's aggregate classification.

Literature cited by the submitters: PubMed 23810379 (cited by 4 submitters); PubMed 23810382 (cited by 4 submitters); PubMed 269880 (cited by 3billion); PubMed 26974159 (cited by Labcorp Genetics (formerly Invitae), Labcorp); PubMed 27766312 (cited by Labcorp Genetics (formerly Invitae), Labcorp); PubMed 28632845 (cited by Labcorp Genetics (formerly Invitae), Labcorp); PubMed 23810378 (cited by 4 submitters); PubMed 23980586 (cited by Labcorp Genetics (formerly Invitae), Labcorp and Ambry Genetics); PubMed 24886349 (cited by Labcorp Genetics (formerly Invitae), Labcorp); PubMed 25326637 (cited by Labcorp Genetics (formerly Invitae), Labcorp); PubMed 34008892 (cited by Laboratory of Medical Genetics, National & Kapodistrian University of Athens); PubMed 26529633 (cited by Ambry Genetics); PubMed 22351933 (cited by Ambry Genetics); PubMed 11135494 (cited by OMIM); PubMed 6407320 (cited by OMIM); PubMed 12514365 (cited by OMIM); PubMed 8574420 (cited by OMIM); PubMed 18384141 (cited by OMIM).